The following is an entry in ClinVar:

NM_015557.3(CHD5):c.931G>T (p.Val311Leu)

Gene: CHD5 (chromodomain helicase DNA binding protein 5; minus strand). Cytogenetic location: 1p36.31.
Variant type: single nucleotide variant.
Coding change: c.931G>T on transcript NM_015557.3 (MANE Select); coding-DNA position 931, G replaced by T.
Protein change: p.Val311Leu; replaces valine 311 with leucine.
Molecular consequence: missense variant.
Genome position (GRCh38, 1-based): chr1:6,151,095, C>A on the plus strand (G>T on the coding strand, the complement: CHD5 is on the minus strand). VCF-style: chr1-6151095-C-A. GRCh37 (hg19) VCF-style: chr1-6211155-C-A.
Other names: short protein forms V311L.
Identifiers: ClinVar variation 2637561 (VCV002637561.1), dbSNP rs1363035377, ClinGen allele CA338086343.
Genomic context (GRCh38, chr1:6,151,095, plus strand): 5'-TCTTCTTCTTGCGCCTCCTCTTGCTCTTCTTGCCCAGGGCTGCAGAGCATTCGGAGCGCA[C>A]GGAGGCACTGTGGATGCTGGCGCTGTCGAAGTCCGACTCCTCCCTCTCATCTTCTTCACT-3'
Protein context (NP_056372.1, residues 301-321): FDSASIHSAS[Val311Leu]RSECSAALGK

ClinVar aggregate classification (germline): Uncertain significance (1 of 4 stars; one submission).

Submission:

Women's Health and Genetics/Laboratory Corporation of America, LabCorp
Classification: Uncertain significance. Last evaluated: 2023-10-30. Review status: criteria provided, single submitter. Criteria: LabCorp Variant Classification Summary - May 2015. Collection method: clinical testing. Allele origin: germline.
Comment: Variant summary: CHD5 c.931G>T (p.Val311Leu) results in a conservative amino acid change in the encoded protein sequence. Four of five in-silico tools predict a benign effect of the variant on protein function. The variant was absent in 248804 control chromosomes. The available data on variant occurrences in the general population are insufficient to allow any conclusion about variant significance. To our knowledge, no occurrence of c.931G>T in individuals affected with Parenti-Mignot Neurodevelopmental Syndrome and no experimental evidence demonstrating its impact on protein function have been reported. No submitters have cited clinical-significance assessments for this variant to ClinVar after 2014. Based on the evidence outlined above, the variant was classified as uncertain significance.